The following is an entry in ClinVar:

ClinVar aggregate classification (germline): Uncertain significance (1 of 4 stars; one submission).

Conditions:
Hereditary cancer-predisposing syndrome. Also called: Hereditary Cancer Syndrome; Hereditary neoplastic syndrome; Neoplastic Syndromes, Hereditary; Tumor predisposition. Identifiers: Orphanet 140162, MedGen C0027672, MeSH D009386, MONDO:0015356.

Submission:

Ambry Genetics
Classification: Uncertain significance for Hereditary cancer-predisposing syndrome. Last evaluated: 2025-10-10. Review status: criteria provided, single submitter. Criteria: Ambry Variant Classification Scheme 2023. Collection method: clinical testing. Allele origin: germline.
Comment: The p.A1946V variant (also known as c.5837C>T), located in coding exon 43 of the POLE gene, results from a C to T substitution at nucleotide position 5837. The alanine at codon 1946 is replaced by valine, an amino acid with similar properties. This amino acid position is conserved. In addition, this alteration is predicted to be tolerated by in silico analysis. Since supporting evidence is limited at this time, the clinical significance of this alteration remains unclear.

NM_006231.4(POLE):c.5837C>T (p.Ala1946Val)

Gene: POLE (DNA polymerase epsilon, catalytic subunit; minus strand). Cytogenetic location: 12q24.33.
Variant type: single nucleotide variant.
Coding change: c.5837C>T on transcript NM_006231.4 (MANE Select); coding-DNA position 5837, C replaced by T.
Protein change: p.Ala1946Val; replaces alanine 1946 with valine.
Molecular consequence: missense variant.
Genome position (GRCh38, 1-based): chr12:132,634,353, G>A on the plus strand (C>T on the coding strand, the complement: POLE is on the minus strand). VCF-style: chr12-132634353-G-A. GRCh37 (hg19) VCF-style: chr12-133210939-G-A.
Other names: short protein forms A1946V.
Identifiers: ClinVar variation 1749992 (VCV001749992.3), dbSNP rs2041994448, ClinGen allele CA387371837.